The following is an entry in ClinVar:

NM_000235.4(LIPA):c.877A>C (p.Met293Leu)

Gene: LIPA (lipase A, lysosomal acid type; minus strand). Cytogenetic location: 10q23.31.
Variant type: single nucleotide variant.
Coding change: c.877A>C on transcript NM_000235.4 (MANE Select); coding-DNA position 877, A replaced by C.
Protein change: p.Met293Leu; replaces methionine 293 with leucine.
Molecular consequence: missense variant.
Genome position (GRCh38, 1-based): chr10:89,222,528, T>G on the plus strand (A>C on the coding strand, the complement: LIPA is on the minus strand). VCF-style: chr10-89222528-T-G. GRCh37 (hg19) VCF-style: chr10-90982285-T-G.
Other names: c.877A>C, p.Met293Leu (NM_001127605.3); c.529A>C, p.Met177Leu (NM_001288979.2); short protein forms M177L, M293L.
Identifiers: ClinVar variation 941071 (VCV000941071.8), dbSNP rs764343762, ClinGen allele CA377516680.

ClinVar aggregate classification (germline): Uncertain significance. Review status: criteria provided, single submitter (1 of 4 stars). 2 submissions from 2 submitters: Uncertain significance (1). 1 of the submissions does not count toward it. Last evaluated 2021-09-01.

Conditions:
Wolman disease (WOLD). Also called: Wolman disease, CESD; LYSOSOMAL ACID LIPASE DEFICIENCY, ACUTE INFANTILE; LYSOSOMAL ACID LIPASE DEFICIENCY, COMPLETE; LIPA DEFICIENCY, COMPLETE; LAL DEFICIENCY, COMPLETE; CHOLESTEROL ESTER HYDROLASE DEFICIENCY, COMPLETE. Identifiers: Orphanet 75233, MedGen C0043208, MONDO:0019148, OMIM 620151.
Lysosomal acid lipase deficiency. Also called: Acid cholesteryl ester hydrolase deficiency, type 2. Identifiers: Orphanet 275761, MedGen C5574740, MONDO:0800449, MONDO:0010204.

gnomAD v4.1: 4 of 1,610,074 alleles (0.00025%); highest among the groups gnomAD compares: South Asian, 0.0033%; no homozygotes.

Submissions (2):

Labcorp Genetics (formerly Invitae), Labcorp
Classification: Uncertain significance for Wolman disease. Last evaluated: 2021-09-01. Review status: criteria provided, single submitter. Criteria: Invitae Variant Classification Sherloc (09022015). Collection method: clinical testing. Allele origin: germline.
Comment: This sequence change replaces methionine with leucine at codon 293 of the LIPA protein (p.Met293Leu). The methionine residue is weakly conserved and there is a small physicochemical difference between methionine and leucine. This variant is not present in population databases (ExAC no frequency). This variant has not been reported in the literature in individuals affected with LIPA-related conditions. Algorithms developed to predict the effect of missense changes on protein structure and function output the following: SIFT: "Tolerated"; PolyPhen-2: "Benign"; Align-GVGD: "Class C0". The leucine amino acid residue is found in multiple mammalian species, which suggests that this missense change does not adversely affect protein function. In summary, the available evidence is currently insufficient to determine the role of this variant in disease. Therefore, it has been classified as a Variant of Uncertain Significance.

Natera, Inc.
Classification: Uncertain significance for Lysosomal acid lipase deficiency. Last evaluated: 2020-09-24. Review status: no assertion criteria provided. Collection method: clinical testing. Allele origin: germline. Not counted in ClinVar's aggregate classification.